The following is an entry in ClinVar:

ClinVar aggregate classification (germline): Uncertain significance. Review status: criteria provided, multiple submitters, no conflicts (2 of 4 stars). 5 submissions from 5 submitters: Uncertain significance (3). 2 of the submissions do not count toward it. Last evaluated 2025-04-28.

Conditions:
Catecholaminergic polymorphic ventricular tachycardia (CVPT). Also called: Catecholamine-induced polymorphic ventricular tachycardia. Identifiers: Orphanet 3286, MedGen C5574922, MONDO:0017990.
Catecholaminergic polymorphic ventricular tachycardia 1. Also called: RYR2-Related Catecholaminergic Polymorphic Ventricular Tachycardia; VENTRICULAR TACHYCARDIA, CATECHOLAMINERGIC POLYMORPHIC, 1, WITH OR WITHOUT ATRIAL DYSFUNCTION AND/OR DILATED CARDIOMYOPATHY; VENTRICULAR TACHYCARDIA, STRESS-INDUCED POLYMORPHIC 1. Identifiers: Orphanet 3286, MedGen C1631597, MONDO:0011484, OMIM 604772.
Cardiomyopathy (CMYO). Also called: Cardiomyopathies. Identifiers: Orphanet 167848, MedGen C0878544, MONDO:0004994, HP:0001638. Inheritance: Various modes of inheritance.

Allele frequency attached by ClinVar (database versions not stated): gnomAD exomes below 0.00001; gnomAD 0.00001.
gnomAD v4.1: 7 of 1,613,808 alleles (0.00043%); highest among the groups gnomAD compares: Non-Finnish European, 0.00059%; no homozygotes.

Submissions (5):

Labcorp Genetics (formerly Invitae), Labcorp
Classification: Uncertain significance for Catecholaminergic polymorphic ventricular tachycardia 1. Last evaluated: 2025-04-28. Review status: criteria provided, single submitter. Criteria: Invitae Variant Classification Sherloc (09022015). Collection method: clinical testing. Allele origin: germline.
Comment: This sequence change replaces proline, which is neutral and non-polar, with threonine, which is neutral and polar, at codon 684 of the RYR2 protein (p.Pro684Thr). This variant is not present in population databases (gnomAD no frequency). This missense change has been observed in individual(s) with RYR2-related conditions (PMID: 30847666, 35352813). ClinVar contains an entry for this variant (Variation ID: 201377). Invitae Evidence Modeling of protein sequence and biophysical properties (such as structural, functional, and spatial information, amino acid conservation, physicochemical variation, residue mobility, and thermodynamic stability) indicates that this missense variant is not expected to disrupt RYR2 protein function with a negative predictive value of 95%. In summary, the available evidence is currently insufficient to determine the role of this variant in disease. Therefore, it has been classified as a Variant of Uncertain Significance.

Color Diagnostics, LLC DBA Color Health
Classification: Uncertain significance for Cardiomyopathy. Last evaluated: 2024-08-27. Review status: criteria provided, single submitter. Criteria: ACMG Guidelines, 2015. Collection method: clinical testing. Allele origin: germline.
Comment: This missense variant replaces proline with threonine at codon 684 of the RYR2 protein. Computational prediction suggests that this variant may not impact protein structure and function. To our knowledge, functional studies have not been reported for this variant. This variant has not been reported in individuals affected with RYR2-related disorders in the literature. This variant has not been identified in the general population by the Genome Aggregation Database (gnomAD). The available evidence is insufficient to determine the role of this variant in disease conclusively. Therefore, this variant is classified as a Variant of Uncertain Significance.

All of Us Research Program, National Institutes of Health
Classification: Uncertain significance for Catecholaminergic polymorphic ventricular tachycardia. Last evaluated: 2024-08-01. Review status: criteria provided, single submitter. Criteria: ACMG Guidelines, 2015. Collection method: clinical testing. Allele origin: germline. Inheritance: Autosomal dominant inheritance. Observed: 1 variant allele, 1 heterozygote.
Comment: This missense variant replaces proline with threonine at codon 684 of the RYR2 protein. Computational prediction tool suggests that this variant may not impact protein structure and function (internally defined REVEL score threshold <=0.5, PMID: 27666373). Splice site prediction tools suggest that this variant may not impact RNA splicing. To our knowledge, functional studies have not been performed for this variant. This variant has not been reported in individuals affected with cardiovascular disorders in the literature. This variant has not been identified in the general population by the Genome Aggregation Database (gnomAD). The available evidence is insufficient to determine the role of this variant in disease conclusively. Therefore, this variant is classified as a Variant of Uncertain Significance.

This study involves interpretation of variants in research participants for the purpose of population health screening. Participant phenotype was not available at the time of variant classification. Additional details can be found in publication PMID: 35346344, PMCID: PMC8962531

Clinical Genetics DNA and cytogenetics Diagnostics Lab, Erasmus MC, Erasmus Medical Center
Classification: Uncertain significance. Review status: no assertion criteria provided. Collection method: clinical testing. Allele origin: germline. Affected: yes. Study: VKGL Data-share Consensus. Not counted in ClinVar's aggregate classification.

Clinical Genetics, Academic Medical Center
Classification: Uncertain significance. Review status: no assertion criteria provided. Collection method: clinical testing. Allele origin: germline. Affected: yes. Study: VKGL Data-share Consensus. Not counted in ClinVar's aggregate classification.

Literature cited by the submitters: PubMed 30847666 (cited by Labcorp Genetics (formerly Invitae), Labcorp); PubMed 35352813 (cited by Labcorp Genetics (formerly Invitae), Labcorp).

NM_001035.3(RYR2):c.2050C>A (p.Pro684Thr)

Gene: RYR2 (ryanodine receptor 2; plus strand). Cytogenetic location: 1q43.
Variant type: single nucleotide variant.
Coding change: c.2050C>A on transcript NM_001035.3 (MANE Select); coding-DNA position 2050, C replaced by A.
Protein change: p.Pro684Thr; replaces proline 684 with threonine.
Molecular consequence: missense variant.
Genome position (GRCh38, 1-based): chr1:237,496,599, C>A. VCF-style: chr1-237496599-C-A. GRCh37 (hg19) VCF-style: chr1-237659899-C-A.
Other names: short protein forms P684T.
Identifiers: ClinVar variation 201377 (VCV000201377.11), dbSNP rs1553473182, ClinGen allele CA008678.